The following is an entry in ClinVar:

ClinVar aggregate classification (germline): Uncertain significance (1 of 4 stars; one submission).

Conditions:
Joubert syndrome. Also called: CEREBELLOPARENCHYMAL DISORDER IV; JOUBERT-BOLTSHAUSER SYNDROME; Familial aplasia of the vermis. Identifiers: Orphanet 475, MedGen C5979921, MONDO:0018772.
Meckel-Gruber syndrome. Also called: DYSENCEPHALIA SPLANCHNOCYSTICA; GRUBER SYNDROME; Dysencephalia splachnocystica. Identifiers: Orphanet 564, MedGen C0265215, MONDO:0018921.

Allele frequency attached by ClinVar (database versions not stated): gnomAD exomes below 0.00001; gnomAD 0.00001; TOPMed 0.00001.
gnomAD v4.1: 2 of 1,613,422 alleles (0.00012%); highest among the groups gnomAD compares: South Asian, 0.0022%; no homozygotes.

Submission:

Labcorp Genetics (formerly Invitae), Labcorp
Classification: Uncertain significance for Joubert syndrome; Meckel-Gruber syndrome. Last evaluated: 2022-01-16. Review status: criteria provided, single submitter. Criteria: Invitae Variant Classification Sherloc (09022015). Collection method: clinical testing. Allele origin: germline.
Comment: Algorithms developed to predict the effect of sequence changes on RNA splicing suggest that this variant may create or strengthen a splice site. Algorithms developed to predict the effect of missense changes on protein structure and function (SIFT, PolyPhen-2, Align-GVGD) all suggest that this variant is likely to be tolerated. This variant has not been reported in the literature in individuals affected with TCTN2-related conditions. In summary, the available evidence is currently insufficient to determine the role of this variant in disease. Therefore, it has been classified as a Variant of Uncertain Significance. This variant is not present in population databases (gnomAD no frequency). This sequence change replaces arginine, which is basic and polar, with lysine, which is basic and polar, at codon 403 of the TCTN2 protein (p.Arg403Lys).

NM_024809.5(TCTN2):c.1208G>A (p.Arg403Lys)

Gene: TCTN2 (tectonic family member 2; plus strand). Cytogenetic location: 12q24.31.
Variant type: single nucleotide variant.
Coding change: c.1208G>A on transcript NM_024809.5 (MANE Select); coding-DNA position 1208, G replaced by A.
Protein change: p.Arg403Lys; replaces arginine 403 with lysine.
Molecular consequence: missense variant.
Genome position (GRCh38, 1-based): chr12:123,694,950, G>A. VCF-style: chr12-123694950-G-A. GRCh37 (hg19) VCF-style: chr12-124179497-G-A.
Other names: c.1205G>A, p.Arg402Lys (NM_001143850.3); short protein forms R402K, R403K.
Identifiers: ClinVar variation 2085778 (VCV002085778.4), dbSNP rs1956089754, ClinGen allele CA387142643.
Genomic context (GRCh38, chr12:123,694,950, plus strand): 5'-AACATTATATTTTCAAATGGAATAATAATACCATCAGTGAAATAAATGTTAAAATTTTTA[G>A]GGCAGAGATTAATGCCCACCAGAAAGGTAACTTTGATGAGGGTAGCAAGCATGCTTTCAC-3'
Protein context (NP_079085.2, residues 393-413): TISEINVKIF[Arg403Lys]AEINAHQKGI